The following is an entry in ClinVar:

ClinVar aggregate classification (germline): Uncertain significance (1 of 4 stars; one submission).

Conditions:
Hereditary cancer-predisposing syndrome. Also called: Neoplastic Syndromes, Hereditary; Tumor predisposition; Hereditary neoplastic syndrome; Hereditary Cancer Syndrome. Identifiers: Orphanet 140162, MedGen C0027672, MeSH D009386, MONDO:0015356.

Submission:

Ambry Genetics
Classification: Uncertain significance for Hereditary cancer-predisposing syndrome. Last evaluated: 2023-12-31. Review status: criteria provided, single submitter. Criteria: Ambry Variant Classification Scheme 2023. Collection method: clinical testing. Allele origin: germline.
Comment: The p.K28N variant (also known as c.84A>C), located in coding exon 2 of the MRE11A gene, results from an A to C substitution at nucleotide position 84. The lysine at codon 28 is replaced by asparagine, an amino acid with similar properties. This amino acid position is conserved. In addition, this alteration is predicted to be tolerated by in silico analysis. Since supporting evidence is limited at this time, the clinical significance of this alteration remains unclear.

NM_005591.4(MRE11):c.84A>C (p.Lys28Asn)

Gene: MRE11 (MRE11 double strand break repair nuclease; minus strand). Cytogenetic location: 11q21.
Variant type: single nucleotide variant.
Coding change: c.84A>C on transcript NM_005591.4 (MANE Select); coding-DNA position 84, A replaced by C.
Protein change: p.Lys28Asn; replaces lysine 28 with asparagine.
Molecular consequence: missense variant.
Genome position (GRCh38, 1-based): chr11:94,490,902, T>G on the plus strand (A>C on the coding strand, the complement: MRE11 is on the minus strand). VCF-style: chr11-94490902-T-G. GRCh37 (hg19) VCF-style: chr11-94224068-T-G.
Other names: c.84A>C, p.Lys28Asn (NM_001330347.2, NM_005590.4); short protein forms K28N.
Identifiers: ClinVar variation 3224869 (VCV003224869.1), dbSNP rs2496653260, ClinGen allele CA382380815.
Genomic context (GRCh38, chr11:94,490,902, plus strand): 5'-CTGGGCAAGTCTTAAAATTTCATCGAGTGTTACAAACGTATCATTTCCTCTGACTGCATC[T>G]TTCTCCATAAATCCAAGATGAATATCTGTTGCAACTAATATTTTAAATGTGTTTTCATCA-3'
Protein context (NP_005582.1, residues 18-38): ATDIHLGFME[Lys28Asn]DAVRGNDTFV